The following is an entry in ClinVar:

NM_000093.5(COL5A1):c.4009A>G (p.Ser1337Gly)

Gene: COL5A1 (collagen type V alpha 1 chain; plus strand). Cytogenetic location: 9q34.3.
Variant type: single nucleotide variant.
Coding change: c.4009A>G on transcript NM_000093.5 (MANE Select); coding-DNA position 4009, A replaced by G.
Protein change: p.Ser1337Gly; replaces serine 1337 with glycine.
Molecular consequence: missense variant.
Genome position (GRCh38, 1-based): chr9:134,814,899, A>G. VCF-style: chr9-134814899-A-G. GRCh37 (hg19) VCF-style: chr9-137706745-A-G.
Other names: c.4009A>G, p.Ser1337Gly (NM_001278074.1); short protein forms S1337G.
Identifiers: ClinVar variation 5034805 (VCV005034805.1).

ClinVar aggregate classification (germline): Uncertain significance (1 of 4 stars; one submission).

Conditions:
Familial thoracic aortic aneurysm and aortic dissection (TAAD). Also called: Thoracic aortic aneurysms and dissections. Identifiers: Orphanet 91387, MedGen C4707243, MONDO:0019625.

gnomAD v4.1: 1 of 1,550,318 alleles (0.000065%); highest among the groups gnomAD compares: Admixed American, 0.002%; no homozygotes.

Submission:

Ambry Genetics
Classification: Uncertain significance for Familial thoracic aortic aneurysm and aortic dissection. Last evaluated: 2026-06-15. Review status: criteria provided, single submitter. Criteria: Ambry Variant Classification Scheme 2023. Collection method: clinical testing. Allele origin: germline.
Comment: The p.S1337G variant (also known as c.4009A>G), located in coding exon 50 of the COL5A1 gene, results from an A to G substitution at nucleotide position 4009. The serine at codon 1337 is replaced by glycine, an amino acid with similar properties. This amino acid position is conserved. In addition, the in silico prediction for this alteration is inconclusive. Based on the available evidence, the clinical significance of this variant remains unclear.